The following is an entry in ClinVar:

NM_005618.4(DLL1):c.336C>G (p.Phe112Leu)

Gene: DLL1 (delta like canonical Notch ligand 1; minus strand). Cytogenetic location: 6q27.
Variant type: single nucleotide variant.
Coding change: c.336C>G on transcript NM_005618.4 (MANE Select); coding-DNA position 336, C replaced by G.
Protein change: p.Phe112Leu; replaces phenylalanine 112 with leucine.
Molecular consequence: missense variant.
Genome position (GRCh38, 1-based): chr6:170,289,527, G>C on the plus strand (C>G on the coding strand, the complement: DLL1 is on the minus strand). VCF-style: chr6-170289527-G-C. GRCh37 (hg19) VCF-style: chr6-170598615-G-C.
Other names: short protein forms F112L.
Identifiers: ClinVar variation 2853288 (VCV002853288.3), dbSNP rs1243424926, ClinGen allele CA366509822.

ClinVar aggregate classification (germline): Uncertain significance (1 of 4 stars; one submission).

Submission:

Labcorp Genetics (formerly Invitae), Labcorp
Classification: Uncertain significance. Last evaluated: 2023-04-28. Review status: criteria provided, single submitter. Criteria: Invitae Variant Classification Sherloc (09022015). Collection method: clinical testing. Allele origin: germline.
Comment: This variant is not present in population databases (gnomAD no frequency). In summary, the available evidence is currently insufficient to determine the role of this variant in disease. Therefore, it has been classified as a Variant of Uncertain Significance. Algorithms developed to predict the effect of missense changes on protein structure and function output the following: SIFT: "Not Available"; PolyPhen-2: "Benign"; Align-GVGD: "Not Available". The leucine amino acid residue is found in multiple mammalian species, which suggests that this missense change does not adversely affect protein function. This variant has not been reported in the literature in individuals affected with DLL1-related conditions. This sequence change replaces phenylalanine, which is neutral and non-polar, with leucine, which is neutral and non-polar, at codon 112 of the DLL1 protein (p.Phe112Leu).